The following is an entry in ClinVar:

ClinVar aggregate classification (germline): Likely pathogenic (1 of 4 stars; one submission).

Conditions:
Hemolytic uremic syndrome, atypical, 8, with rhizomelic short stature (AHUS8). Identifiers: MedGen C5829585, MONDO:0957495, OMIM 301110.

Submission:

Victorian Clinical Genetics Services, Murdoch Childrens Research Institute
Classification: Likely pathogenic for Hemolytic uremic syndrome, atypical, 8, with rhizomelic short stature. Last evaluated: 2025-10-06. Review status: criteria provided, single submitter. Criteria: ACMG Guidelines, 2015. Collection method: clinical testing. Allele origin: germline. Affected: yes.
Comment: This variant is classified as Likely pathogenic. Evidence in support of pathogenic classification: Variant is absent from gnomAD (v2, v3 and v4); This variant has strong evidence for segregation with disease. This variant has been shown to segregate with disease across four meioses (internal data); Missense variant consistently predicted to be damaging by multiple in silico tools or highly conserved with a major amino acid change. Additional information: Variant is predicted to result in a missense amino acid change from Gly to Arg; This variant is hemizygous; This gene is associated with X-linked disease. Heterozygous females with skewed X-inactivation have been reported with an attenuated form of atypical haemolytic anaemia (PMID: 37216524); This variant has no previous evidence of pathogenicity; No published functional evidence has been identified for this variant; No comparable missense variants have previous evidence for pathogenicity; Variant is not located in an established domain, motif, hotspot or informative constraint region; Loss of function is a likely mechanism of disease in this gene and is associated with haemolytic uraemic syndrome, atypical, 8, with rhizomelic short stature (MIM#301110). This assertion is currently based on functional studies for one missense variant (PMID: 37216524); Inheritance information for this variant is not currently available in this individual.

Literature cited by the submitters: PubMed 37216524.

NM_001011551.3(C1GALT1C1):c.553G>A (p.Gly185Arg)

Gene: C1GALT1C1 (C1GALT1 specific chaperone 1; minus strand). Cytogenetic location: Xq24.
Variant type: single nucleotide variant.
Coding change: c.553G>A on transcript NM_001011551.3 (MANE Select); coding-DNA position 553, G replaced by A.
Protein change: p.Gly185Arg; replaces glycine 185 with arginine.
Molecular consequence: missense variant.
Genome position (GRCh38, 1-based): chrX:120,626,614, C>T on the plus strand (G>A on the coding strand, the complement: C1GALT1C1 is on the minus strand). VCF-style: chrX-120626614-C-T. GRCh37 (hg19) VCF-style: chrX-119760469-C-T.
Other names: c.553G>A, p.Gly185Arg (NM_152692.5); short protein forms G185R.
Identifiers: ClinVar variation 3376970 (VCV003376970.3).
Genomic context (GRCh38, chrX:120,626,614, plus strand): 5'-CTGGGATATTGAGAAGGCTGTTAAGTCTTTTCATTGATTCTACACTTAAGACAATTCCTC[C>T]TTCCATACCCACATATTCAAGGTCTCCAGATTTTATAGTGTGGCCTAGATAGAAAGGCTG-3'
Protein context (NP_001011551.1, residues 175-195): SGDLEYVGME[Gly185Arg]GIVLSVESMK